The following is an entry in ClinVar:

ClinVar aggregate classification (germline): Uncertain significance. Review status: criteria provided, multiple submitters, no conflicts (2 of 4 stars). 2 submissions from 2 submitters: Uncertain significance (2). Last evaluated 2023-07-09.

Conditions:
2-hydroxyglutaric aciduria (D2L2AD). Identifiers: Orphanet 19, Orphanet 356978, MedGen C2746066, MONDO:0016001. Disease mechanism: loss of function.

Allele frequency attached by ClinVar (database versions not stated): gnomAD exomes below 0.00001; TOPMed below 0.00001; gnomAD 0.00001.

Submissions (2):

Labcorp Genetics (formerly Invitae), Labcorp
Classification: Uncertain significance. Last evaluated: 2023-07-09. Review status: criteria provided, single submitter. Criteria: Invitae Variant Classification Sherloc (09022015). Collection method: clinical testing. Allele origin: germline.
Comment: This sequence change replaces asparagine, which is neutral and polar, with serine, which is neutral and polar, at codon 213 of the SLC25A1 protein (p.Asn213Ser). This variant is present in population databases (no rsID available, gnomAD 0.007%). This variant has not been reported in the literature in individuals affected with SLC25A1-related conditions. ClinVar contains an entry for this variant (Variation ID: 1034232). Advanced modeling of protein sequence and biophysical properties (such as structural, functional, and spatial information, amino acid conservation, physicochemical variation, residue mobility, and thermodynamic stability) performed at Invitae indicates that this missense variant is not expected to disrupt SLC25A1 protein function. In summary, the available evidence is currently insufficient to determine the role of this variant in disease. Therefore, it has been classified as a Variant of Uncertain Significance.

Baylor Genetics
Classification: Uncertain significance for D,L-2-hydroxyglutaric aciduria. Last evaluated: 2018-05-15. Review status: criteria provided, single submitter. Criteria: ACMG Guidelines, 2015. Collection method: clinical testing. Allele origin: unknown. Affected: yes.
Comment: This variant was determined to be of uncertain significance according to ACMG Guidelines, 2015 [PMID:25741868].

NM_005984.5(SLC25A1):c.638A>G (p.Asn213Ser)

Gene: SLC25A1 (solute carrier family 25 member 1; minus strand). Cytogenetic location: 22q11.21.
Variant type: single nucleotide variant.
Coding change: c.638A>G on transcript NM_005984.5 (MANE Select); coding-DNA position 638, A replaced by G.
Protein change: p.Asn213Ser; replaces asparagine 213 with serine.
Molecular consequence: missense variant. On other transcripts: non-coding transcript variant (1).
Genome position (GRCh38, 1-based): chr22:19,176,687, T>C on the plus strand (A>G on the coding strand, the complement: SLC25A1 is on the minus strand). VCF-style: chr22-19176687-T-C. GRCh37 (hg19) VCF-style: chr22-19164200-T-C.
Other names: c.659A>G, p.Asn220Ser (NM_001256534.2); c.329A>G, p.Asn110Ser (NM_001287387.2); short protein forms N220S, N110S, N213S.
Identifiers: ClinVar variation 1034232 (VCV001034232.4), dbSNP rs1555922433, ClinGen allele CA410636774.